The following is an entry in ClinVar:

ClinVar aggregate classification (germline): Uncertain significance (1 of 4 stars; one submission).

Conditions:
Hereditary cancer-predisposing syndrome. Also called: Tumor predisposition; Neoplastic Syndromes, Hereditary; Hereditary neoplastic syndrome; Hereditary Cancer Syndrome. Identifiers: Orphanet 140162, MedGen C0027672, MeSH D009386, MONDO:0015356.

Submission:

Ambry Genetics
Classification: Uncertain significance for Hereditary cancer-predisposing syndrome. Last evaluated: 2025-08-27. Review status: criteria provided, single submitter. Criteria: Ambry Variant Classification Scheme 2023. Collection method: clinical testing. Allele origin: germline.
Comment: The p.K41Q variant (also known as c.121A>C), located in coding exon 2 of the MUTYH gene, results from an A to C substitution at nucleotide position 121. The lysine at codon 41 is replaced by glutamine, an amino acid with similar properties. This amino acid position is conserved. In addition, this alteration is predicted to be tolerated by in silico analysis. Based on the available evidence, the clinical significance of this variant remains unclear.

NM_001048174.2(MUTYH):c.79A>C (p.Lys27Gln)

Gene: MUTYH (mutY DNA glycosylase; minus strand). Cytogenetic location: 1p34.1.
Variant type: single nucleotide variant.
Coding change: c.79A>C on transcript NM_001048174.2 (MANE Select); coding-DNA position 79, A replaced by C.
Protein change: p.Lys27Gln; replaces lysine 27 with glutamine.
Molecular consequence: missense variant. On other transcripts: 5 prime UTR variant (7), non-coding transcript variant (7).
Genome position (GRCh38, 1-based): chr1:45,334,427, T>G on the plus strand (A>C on the coding strand, the complement: MUTYH is on the minus strand). VCF-style: chr1-45334427-T-G. GRCh37 (hg19) VCF-style: chr1-45800099-T-G.
Other names: c.79A>C, p.Lys27Gln (NM_001048171.2, NM_001048172.2, NM_001048173.2 and 15 more transcripts); c.121A>C, p.Lys41Gln (NM_001128425.2, NM_001293190.2, NM_001407069.1 and 2 more transcripts); c.-134A>C (NM_001293192.2, NM_001293196.2, NM_001407091.1); c.-193A>C (NM_001350650.2); c.-129A>C (NM_001350651.2, NM_001407082.1); c.-78A>C (NM_001407075.1); c.97A>C, p.Lys33Gln (NM_001407087.1); short protein forms K27Q, K33Q, K41Q.
Identifiers: ClinVar variation 4113089 (VCV004113089.1).
Genomic context (GRCh38, chr1:45,334,427, plus strand): 5'-TTGGGCCACAACCTAGTTCCTTACCATCACAGGCAGAAGGCTTGGCCTGACTGTTGTTCT[T>G]AGCATGCTTCTGCCTCCCTTCCTGGCTGGCTGCCTGCTTCCTGTGACCACTTCCCACGGC-3'
Protein context (NP_001041639.1, residues 17-37): ASQEGRQKHA[Lys27Gln]NNSQAKPSAC